The following is an entry in ClinVar:

ClinVar aggregate classification (germline): Uncertain significance (1 of 4 stars; one submission).

Conditions:
Androgen resistance syndrome (AIS). Also called: Androgen insensitivity syndrome; Androgen insensitivity syndrome due to coactivator deficiency; DHTR DEFICIENCY; ANDROGEN RECEPTOR DEFICIENCY; DIHYDROTESTOSTERONE RECEPTOR DEFICIENCY; Androgen insensitivity, complete. Identifiers: Orphanet 754, Orphanet 99429, MedGen C0039585, MONDO:0019154, OMIM 300068. Disease mechanism: loss of function.
Kennedy disease (SMAX1). Also called: Spinal and Bulbar Muscular Atrophy; SPINAL AND BULBAR MUSCULAR ATROPHY, X-LINKED 1; KENNEDY SPINAL AND BULBAR MUSCULAR ATROPHY. Identifiers: Orphanet 481, MedGen C1839259, MONDO:0010735, OMIM 313200.

Allele frequency attached by ClinVar (database versions not stated): ExAC 0.00001.
gnomAD v4.1: 2 of 1,211,983 alleles (0.00017%); highest among the groups gnomAD compares: Admixed American, 0.0043%; no homozygotes.

Submission:

Labcorp Genetics (formerly Invitae), Labcorp
Classification: Uncertain significance for Kennedy disease; Androgen resistance syndrome. Last evaluated: 2022-10-31. Review status: criteria provided, single submitter. Criteria: Invitae Variant Classification Sherloc (09022015). Collection method: clinical testing. Allele origin: germline.
Comment: This sequence change replaces leucine, which is neutral and non-polar, with arginine, which is basic and polar, at codon 347 of the AR protein (p.Leu347Arg). This variant is present in population databases (rs746981310, gnomAD 0.004%), including at least one homozygous and/or hemizygous individual. This variant has not been reported in the literature in individuals affected with AR-related conditions. Advanced modeling of protein sequence and biophysical properties (such as structural, functional, and spatial information, amino acid conservation, physicochemical variation, residue mobility, and thermodynamic stability) has been performed at Invitae for this missense variant, however the output from this modeling did not meet the statistical confidence thresholds required to predict the impact of this variant on AR protein function. In summary, the available evidence is currently insufficient to determine the role of this variant in disease. Therefore, it has been classified as a Variant of Uncertain Significance.

NM_000044.6(AR):c.1040T>G (p.Leu347Arg)

Gene: AR (androgen receptor; plus strand). Cytogenetic location: Xq12.
Variant type: single nucleotide variant.
Coding change: c.1040T>G on transcript NM_000044.6 (MANE Select); coding-DNA position 1040, T replaced by G.
Protein change: p.Leu347Arg; replaces leucine 347 with arginine.
Molecular consequence: missense variant. On other transcripts: 5 prime UTR variant (1).
Genome position (GRCh38, 1-based): chrX:67,546,186, T>G. VCF-style: chrX-67546186-T-G. GRCh37 (hg19) VCF-style: chrX-66766028-T-G.
Other names: c.-744T>G (NM_001011645.3); c.1040T>G, p.Leu347Arg (NM_001348061.1, NM_001348063.1, NM_001348064.1); short protein forms L347R.
Identifiers: ClinVar variation 2140515 (VCV002140515.1), dbSNP rs746981310, ClinGen allele CA10436355.